The following is an entry in ClinVar:

ClinVar aggregate classification (germline): Uncertain significance (1 of 4 stars; one submission).

Submission:

Women's Health and Genetics/Laboratory Corporation of America, LabCorp
Classification: Uncertain significance. Last evaluated: 2025-10-07. Review status: criteria provided, single submitter. Criteria: LabCorp Variant Classification Summary - May 2015. Collection method: clinical testing. Allele origin: germline.
Comment: Variant summary: ARHGEF10 c.3968G>C (p.Arg1323Pro) results in a non-conservative amino acid change in the encoded protein sequence. Algorithms developed to predict the effect of missense changes on protein structure and function are either unavailable or do not agree on the potential impact of this missense change. The variant was absent in 244158 control chromosomes. The available data on variant occurrences in the general population are insufficient to allow any conclusion about variant significance. To our knowledge, no occurrence of c.3968G>C in individuals affected with ARHGEF10-related conditions and no experimental evidence demonstrating its impact on protein function have been reported. No submitters have cited clinical-significance assessments for this variant to ClinVar. Based on the evidence outlined above, the variant was classified as uncertain significance.

NM_014629.4(ARHGEF10):c.3968G>C (p.Arg1323Pro)

Gene: ARHGEF10 (Rho guanine nucleotide exchange factor 10; plus strand). Cytogenetic location: 8p23.3.
Variant type: single nucleotide variant.
Coding change: c.3968G>C on transcript NM_014629.4 (MANE Select); coding-DNA position 3968, G replaced by C.
Protein change: p.Arg1323Pro; replaces arginine 1323 with proline.
Molecular consequence: missense variant.
Genome position (GRCh38, 1-based): chr8:1,957,196, G>C. VCF-style: chr8-1957196-G-C. GRCh37 (hg19) VCF-style: chr8-1905362-G-C.
Other names: c.3854G>C, p.Arg1285Pro (NM_001308152.2); c.3968G>C, p.Arg1323Pro (NM_001308153.3); c.3971G>C, p.Arg1324Pro (NM_001438091.1); c.3851G>C, p.Arg1284Pro (NM_001438092.1, NM_001438093.1); c.3731G>C, p.Arg1244Pro (NM_001438094.1); short protein forms R1244P, R1284P, R1285P, R1323P, R1324P, R1347P.
Identifiers: ClinVar variation 4687528 (VCV004687528.1).